The following is an entry in ClinVar:

ClinVar aggregate classification (germline): Uncertain significance (1 of 4 stars; one submission).

Submission:

Labcorp Genetics (formerly Invitae), Labcorp
Classification: Uncertain significance. Last evaluated: 2024-11-25. Review status: criteria provided, single submitter. Criteria: Invitae Variant Classification Sherloc (09022015). Collection method: clinical testing. Allele origin: germline.
Comment: This sequence change replaces arginine, which is basic and polar, with glycine, which is neutral and non-polar, at codon 83 of the DTHD1 protein (p.Arg83Gly). This variant is not present in population databases (gnomAD no frequency). This variant has not been reported in the literature in individuals affected with DTHD1-related conditions. An algorithm developed to predict the effect of missense changes on protein structure and function (PolyPhen-2) suggests that this variant is likely to be disruptive. In summary, the available evidence is currently insufficient to determine the role of this variant in disease. Therefore, it has been classified as a Variant of Uncertain Significance.

NM_001170700.3(DTHD1):c.1117A>G (p.Arg373Gly)

Gene: DTHD1 (death domain containing 1; plus strand). Cytogenetic location: 4p14.
Variant type: single nucleotide variant.
Coding change: c.1117A>G on transcript NM_001170700.3 (MANE Select); coding-DNA position 1117, A replaced by G.
Protein change: p.Arg373Gly; replaces arginine 373 with glycine.
Molecular consequence: missense variant. On other transcripts: non-coding transcript variant (2).
Genome position (GRCh38, 1-based): chr4:36,290,602, A>G. VCF-style: chr4-36290602-A-G. GRCh37 (hg19) VCF-style: chr4-36292224-A-G.
Other names: c.247A>G, p.Arg83Gly (NM_001136536.5, NM_001378435.1); short protein forms R373G, R83G.
Identifiers: ClinVar variation 3632832 (VCV003632832.2).
Genomic context (GRCh38, chr4:36,290,602, plus strand): 5'-GATAAGGAAAAGAGAGTTCCATTTCCAATAGGCATTGCAATTCCATTTACTGCACGTTAC[A>G]GAGGAAATTACAGAGATATCATGGTGAAAGTGTGTGACATAAACCTTCAATCAAGTTACC-3'
Protein context (NP_001164171.2, residues 363-383): GIAIPFTARY[Arg373Gly]GNYRDIMVKV